The following is an entry in ClinVar:

NM_007294.4(BRCA1):c.4185+2211C>T

Gene: BRCA1 (BRCA1 DNA repair associated; minus strand). Cytogenetic location: 17q21.31.
Variant type: single nucleotide variant.
Coding change: c.4185+2211C>T on transcript NM_007294.4 (MANE Select); 2211 bases into the intron after coding-DNA position 4185, C replaced by T.
Molecular consequence: intron variant.
Genome position (GRCh38, 1-based): chr17:43,088,733, G>A on the plus strand (C>T on the coding strand, the complement: BRCA1 is on the minus strand). VCF-style: chr17-43088733-G-A. GRCh37 (hg19) VCF-style: chr17-41240750-G-A.
Other names: IVS 12+2211C>T; c.735+2211C>T (NM_001408458.1, NM_001408469.1, NM_001408453.1 and 11 more transcripts); c.3297+2211C>T (NM_001407967.1, NM_001407966.1); c.3804+2211C>T (NM_001407959.1, NM_001407963.1, NM_001407960.1); c.3918+2211C>T (NM_001407931.1, NM_001407932.1, NM_001407934.1 and 2 more transcripts); c.4041+2211C>T (NM_001407747.1, NM_001407848.1, NM_001407839.1 and 20 more transcripts); c.3801+2211C>T (NM_001407962.1); c.372+2211C>T (NM_001408512.1); and 42 more.
Identifiers: ClinVar variation 209429 (VCV000209429.2), dbSNP rs8176165, ClinGen allele CA276401.

ClinVar aggregate classification (germline): Benign (3 of 4 stars; one submission).

Conditions:
Breast-ovarian cancer, familial, susceptibility to, 1 (BROVCA1). Also called: BRCA1 Hereditary Breast and Ovarian Cancer; OVARIAN CANCER, SUSCEPTIBILITY TO. Identifiers: Orphanet 145, MedGen C2676676, MONDO:0011450, OMIM 604370. Disease mechanism: loss of function.

Allele frequency attached by ClinVar (database versions not stated): TOPMed 0.01530; 1000 Genomes Project 0.01577; 1000 Genomes Project 30x 0.01577.
gnomAD v4.1: 2,139 of 152,270 alleles (1.4%); highest among the groups gnomAD compares: African/African-American, 4.8%; 54 homozygotes.

Submission:

Evidence-based Network for the Interpretation of Germline Mutant Alleles (ENIGMA)
Classification: Benign for Breast-ovarian cancer, familial 1. Last evaluated: 2015-01-12. Review status: reviewed by expert panel. Criteria: ENIGMA BRCA1/2 Classification Criteria (2015). Collection method: curation. Allele origin: germline.
Comment: Class 1 not pathogenic based on frequency >1% in an outbred sampleset. Frequency 0.08333 (African), derived from 1000 genomes (2012-04-30).